The following is an entry in ClinVar:

ClinVar aggregate classification (germline): Uncertain significance. Review status: criteria provided, multiple submitters, no conflicts (2 of 4 stars). 2 submissions from 2 submitters: Uncertain significance (2). Last evaluated 2019-08-13.

Conditions:
Distal myopathy with anterior tibial onset. Identifiers: Orphanet 178400, MedGen C1847532, MONDO:0011721, OMIM 606768.
Autosomal recessive limb-girdle muscular dystrophy type 2B (LGMDR2). Also called: Limb-girdle muscular dystrophy, type 2B; Limb-Girdle Muscular Dystrophy Type 2B (LGMD2B); MUSCULAR DYSTROPHY, LIMB-GIRDLE, TYPE 3; MUSCULAR DYSTROPHY, LIMB-GIRDLE, AUTOSOMAL RECESSIVE 2. Identifiers: Orphanet 268, MedGen C1850889, MONDO:0009676, OMIM 253601.

Submissions (2):

Centre for Mendelian Genomics, University Medical Centre Ljubljana
Classification: Uncertain significance for Distal myopathy with anterior tibial onset. Last evaluated: 2019-08-13. Review status: criteria provided, single submitter. Criteria: ACMG Guidelines, 2015. Collection method: clinical testing. Allele origin: unknown. Affected: yes.
Comment: This variant was classified as: Uncertain significance. The available evidence favors the pathogenic nature of this variant, however the currently available data is insufficient to conclusively support its pathogenic nature. Thus this variant is classified as Uncertain significance - favor pathogenic. The following ACMG criteria were applied in classifying this variant: PM2,PP3.

Broad Center for Mendelian Genomics, Broad Institute of MIT and Harvard
Classification: Uncertain significance for Autosomal recessive limb-girdle muscular dystrophy type 2B. Last evaluated: 2018-12-03. Review status: criteria provided, single submitter. Criteria: ACMG Guidelines, 2015. Collection method: research. Allele origin: germline. Inheritance: Autosomal recessive inheritance. Affected: yes.
Comment: The heterozygous p.Ser1523Tyr variant in DYSF was identified by our study in the compound heterozygous state, with a VUS, in two siblings with limb-girdle muscular dystrophy (LGMD). The variant was absent from large population studies. Computational prediction tools and conservation analyses suggest that this variant may impact the protein, though this information is not predictive enough to determine pathogenicity. In summary, the clinical significance of the p.Ser1523Tyr variant is uncertain. ACMG/AMP Criteria applied: PM2, PP3, PP1 (Richards 2015).

NM_001130987.2(DYSF):c.4568C>A (p.Ser1523Tyr)

Gene: DYSF (dysferlin; plus strand). Cytogenetic location: 2p13.2.
Variant type: single nucleotide variant.
Coding change: c.4568C>A on transcript NM_001130987.2 (MANE Select); coding-DNA position 4568, C replaced by A.
Protein change: p.Ser1523Tyr; replaces serine 1523 with tyrosine.
Molecular consequence: missense variant.
Genome position (GRCh38, 1-based): chr2:71,644,005, C>A. VCF-style: chr2-71644005-C-A. GRCh37 (hg19) VCF-style: chr2-71871135-C-A.
Other names: c.4454C>A, p.Ser1485Tyr (NM_001130455.2); c.4409C>A, p.Ser1470Tyr (NM_001130976.2); c.4472C>A, p.Ser1491Tyr (NM_001130977.2); c.4514C>A, p.Ser1505Tyr (NM_001130978.2); c.4544C>A, p.Ser1515Tyr (NM_001130979.2); c.4502C>A, p.Ser1501Tyr (NM_001130980.2); c.4565C>A, p.Ser1522Tyr (NM_001130981.2); c.4547C>A, p.Ser1516Tyr (NM_001130982.2); and 5 more; short protein forms S1491Y, S1502Y, S1522Y, S1471Y, S1484Y, S1505Y, S1506Y, S1485Y.
Identifiers: ClinVar variation 813962 (VCV000813962.4), dbSNP rs1572921644, ClinGen allele CA347217913.